The following is an entry in ClinVar:

NM_001385641.1(SAMD11):c.2185A>G (p.Arg729Gly)

Gene: SAMD11 (sterile alpha motif domain containing 11; plus strand). Cytogenetic location: 1p36.33.
Variant type: single nucleotide variant.
Coding change: c.2185A>G on transcript NM_001385641.1 (MANE Select); coding-DNA position 2185, A replaced by G.
Protein change: p.Arg729Gly; replaces arginine 729 with glycine.
Molecular consequence: missense variant.
Genome position (GRCh38, 1-based): chr1:943,704, A>G. VCF-style: chr1-943704-A-G. GRCh37 (hg19) VCF-style: chr1-879084-A-G.
Other names: c.2188A>G, p.Arg730Gly (NM_001385640.1); c.1696A>G, p.Arg566Gly (NM_152486.4); short protein forms R566G, R729G, R730G.
Identifiers: ClinVar variation 1368414 (VCV001368414.6), dbSNP rs2100366514, ClinGen allele CA337816452.
Genomic context (GRCh38, chr1:943,704, plus strand): 5'-GCTGGAGGATGGAGCAGCACCCGGGTCCTGACCCTCCCTCCCTCCCCCTTCCAGGTCTTC[A>G]GGGAGCAGGGGATCGACGGGGAGACCCTGCCACTGCTGACGGAGGAGCACCTGCTGACCA-3'
Protein context (NP_001372570.1, residues 719-739): SGCGEYTRVF[Arg729Gly]EQGIDGETLP

ClinVar aggregate classification (germline): Uncertain significance (1 of 4 stars; one submission).

Submission:

Labcorp Genetics (formerly Invitae), Labcorp
Classification: Uncertain significance. Last evaluated: 2021-11-27. Review status: criteria provided, single submitter. Criteria: Invitae Variant Classification Sherloc (09022015). Collection method: clinical testing. Allele origin: germline.
Comment: In summary, the available evidence is currently insufficient to determine the role of this variant in disease. Therefore, it has been classified as a Variant of Uncertain Significance. Algorithms developed to predict the effect of missense changes on protein structure and function are either unavailable or do not agree on the potential impact of this missense change (SIFT: "Deleterious"; PolyPhen-2: "Possibly Damaging"; Align-GVGD: "Class C0"). This variant has not been reported in the literature in individuals affected with SAMD11-related conditions. This variant is not present in population databases (gnomAD no frequency). This sequence change replaces arginine, which is basic and polar, with glycine, which is neutral and non-polar, at codon 566 of the SAMD11 protein (p.Arg566Gly).